The following is an entry in ClinVar:

ClinVar aggregate classification (germline): Uncertain significance. Review status: criteria provided, multiple submitters, no conflicts (2 of 4 stars). 2 submissions from 2 submitters: Uncertain significance (2). Last evaluated 2024-12-30.

Conditions:
Malignant hyperthermia, susceptibility to, 5 (MHS5). Also called: CACNA1S-Related Malignant Hyperthermia Susceptibility. Identifiers: Orphanet 423, MedGen C1866077, MONDO:0011163, OMIM 601887.
Hypokalemic periodic paralysis, type 1. Also called: Hypokalemic Periodic Paralysis Type 1 (AD); HypoPP. Identifiers: Orphanet 681, MedGen C3714580, MONDO:0042979, OMIM 170400.
Congenital myopathy 18. Also called: Myopathy, congenital, due to dihydropyridine receptor defect; DIHYDROPYRIDINE RECEPTOR CONGENITAL MYOPATHY; DHPR CONGENITAL MYOPATHY. Identifiers: MedGen C5830283, MONDO:0859514, OMIM 620246.
Thyrotoxic periodic paralysis, susceptibility to, 1 (TTPP1). Identifiers: Orphanet 79102, MedGen C2749982, MONDO:0008570, OMIM 188580.

gnomAD v4.1: 1 of 1,614,028 alleles (0.000062%); highest among the groups gnomAD compares: Admixed American, 0.0017%; no homozygotes.

Submissions (2):

GeneDx
Classification: Uncertain significance. Last evaluated: 2024-12-30. Review status: criteria provided, single submitter. Criteria: GeneDx Variant Classification Process June 2021. Collection method: clinical testing. Allele origin: germline. Affected: yes.
Comment: Not observed at significant frequency in large population cohorts (gnomAD); In silico analysis supports that this missense variant has a deleterious effect on protein structure/function; Has not been previously published as pathogenic or benign to our knowledge

Fulgent Genetics
Classification: Uncertain significance for Hypokalemic periodic paralysis, type 1; Thyrotoxic periodic paralysis, susceptibility to, 1; Malignant hyperthermia, susceptibility to, 5; Congenital myopathy 18. Last evaluated: 2024-03-07. Review status: criteria provided, single submitter. Criteria: ACMG Guidelines, 2015. Collection method: clinical testing. Allele origin: germline.

NM_000069.3(CACNA1S):c.1514G>A (p.Cys505Tyr)

Gene: CACNA1S (calcium voltage-gated channel subunit alpha1 S; minus strand). Cytogenetic location: 1q32.1.
Variant type: single nucleotide variant.
Coding change: c.1514G>A on transcript NM_000069.3 (MANE Select); coding-DNA position 1514, G replaced by A.
Protein change: p.Cys505Tyr; replaces cysteine 505 with tyrosine.
Molecular consequence: missense variant.
Genome position (GRCh38, 1-based): chr1:201,077,984, C>T on the plus strand (G>A on the coding strand, the complement: CACNA1S is on the minus strand). VCF-style: chr1-201077984-C-T. GRCh37 (hg19) VCF-style: chr1-201047112-C-T.
Other names: c.1514G>A (NM_000069.2); short protein forms C505Y.
Identifiers: ClinVar variation 3577575 (VCV003577575.2).
Genomic context (GRCh38, chr1:201,077,984, plus strand): 5'-GAGATGCCCAGGGGTGTCATGGCACCCGACTCCACCAGCAGGATCTCCAGGATACCGCTA[C>T]ACACCACGAAGCAGTCGAAGCGGTTGAAGATAGACATGAAGTACTGGCGCAGGCCCAGCC-3'
Protein context (NP_000060.2, residues 495-515): IFNRFDCFVV[Cys505Tyr]SGILEILLVE